The following is an entry in ClinVar:

NM_002478.5(MYOD1):c.768G>A (p.Val256=)

Gene: MYOD1 (myogenic differentiation 1; plus strand). Cytogenetic location: 11p15.1.
Variant type: single nucleotide variant.
Coding change: c.768G>A on transcript NM_002478.5 (MANE Select); coding-DNA position 768, G replaced by A.
Protein change: p.Val256=; no amino-acid change (valine 256 retained).
Molecular consequence: synonymous variant.
Genome position (GRCh38, 1-based): chr11:17,721,313, G>A. VCF-style: chr11-17721313-G-A. GRCh37 (hg19) VCF-style: chr11-17742860-G-A.
Identifiers: ClinVar variation 731111 (VCV000731111.6), dbSNP rs369966548, ClinGen allele CA5906572.

ClinVar aggregate classification (germline): Benign. Review status: criteria provided, single submitter (1 of 4 stars). 2 submissions from 2 submitters: Benign (1). 1 of the submissions does not count toward it. Last evaluated 2019-12-31.

Conditions:
MYOD1-related disorder. Also called: MYOD1-related condition.

Allele frequency attached by ClinVar (database versions not stated): gnomAD exomes 0.00011 and 0.00041; ESP Exome Variant Server 0.00039; ExAC 0.00054; 1000 Genomes Project 0.00060; gnomAD 0.00060 and 0.00062; TOPMed 0.00077; 1000 Genomes Project 30x 0.00078.
gnomAD v4.1: 262 of 1,594,588 alleles (0.016%); highest among the groups gnomAD compares: African/African-American, 0.19%; 2 homozygotes.

Submissions (2):

Labcorp Genetics (formerly Invitae), Labcorp
Classification: Benign. Last evaluated: 2019-12-31. Review status: criteria provided, single submitter. Criteria: Invitae Variant Classification Sherloc (09022015). Collection method: clinical testing. Allele origin: germline.

PreventionGenetics, part of Exact Sciences
Classification: Likely benign for MYOD1-related condition. Last evaluated: 2019-03-20. Review status: no assertion criteria provided. Collection method: clinical testing. Allele origin: germline. Not counted in ClinVar's aggregate classification.
Comment: This variant is classified as likely benign based on ACMG/AMP sequence variant interpretation guidelines (Richards et al. 2015 PMID: 25741868, with internal and published modifications).